The following is an entry in ClinVar:

NM_000492.4(CFTR):c.274-13T>C

Gene: CFTR (CF transmembrane conductance regulator; plus strand). Cytogenetic location: 7q31.2.
Variant type: single nucleotide variant.
Coding change: c.274-13T>C on transcript NM_000492.4 (MANE Select); 13 bases into the intron before coding-DNA position 274, T replaced by C.
Molecular consequence: intron variant.
Genome position (GRCh38, 1-based): chr7:117,530,886, T>C. VCF-style: chr7-117530886-T-C. GRCh37 (hg19) VCF-style: chr7-117170940-T-C.
Identifiers: ClinVar variation 633164 (VCV000633164.9), dbSNP rs1021474992, ClinGen allele CA4450694.

ClinVar aggregate classification (germline): Likely benign. Review status: criteria provided, multiple submitters, no conflicts (2 of 4 stars). 3 submissions from 3 submitters: Likely benign (3). Last evaluated 2025-07-24.

Conditions:
Cystic fibrosis (CF). Also called: MUCOVISCIDOSIS. Identifiers: Orphanet 586, MedGen C0010674, MONDO:0009061, OMIM 219700. Disease mechanism: loss of function.

Allele frequency attached by ClinVar (database versions not stated): ExAC 0.00001; gnomAD exomes 0.00001 and 0.00002.
gnomAD v4.1: 20 of 1,536,180 alleles (0.0013%); highest among the groups gnomAD compares: Non-Finnish European, 0.0017%; no homozygotes.

Submissions (3):

Labcorp Genetics (formerly Invitae), Labcorp
Classification: Likely benign for Cystic fibrosis. Last evaluated: 2025-07-24. Review status: criteria provided, single submitter. Criteria: Invitae Variant Classification Sherloc (09022015). Collection method: clinical testing. Allele origin: germline.

Women's Health and Genetics/Laboratory Corporation of America, LabCorp
Classification: Likely benign. Last evaluated: 2025-01-07. Review status: criteria provided, single submitter. Criteria: LabCorp Variant Classification Summary - May 2015. Collection method: clinical testing. Allele origin: germline.
Comment: Variant summary: CFTR c.274-13T>C alters a non-conserved nucleotide located at a position not widely known to affect splicing. Consensus agreement among computation tools predict no significant impact on normal splicing. However, these predictions have yet to be confirmed by functional studies. The variant allele was found at a frequency of 1.2e-05 in 249878 control chromosomes. The available data on variant occurrences in the general population are insufficient to allow any conclusion about variant significance. c.274-13T>C has been reported in the literature, without evidence of causality (Girodon_2002). To our knowledge, no experimental evidence demonstrating an impact on protein function has been reported. The following publication has been ascertained in the context of this evaluation (PMID: 12127423). ClinVar contains an entry for this variant (Variation ID: 633164). Based on the evidence outlined above, the variant was classified as likely benign.

Ambry Genetics
Classification: Likely benign for Cystic fibrosis. Last evaluated: 2023-09-13. Review status: criteria provided, single submitter. Criteria: Ambry Variant Classification Scheme 2023. Collection method: clinical testing. Allele origin: germline.

Literature cited by the submitters: PubMed 12127423 (cited by Women's Health and Genetics/Laboratory Corporation of America, LabCorp and Ambry Genetics).